The following is an entry in ClinVar:

NM_006516.4(SLC2A1):c.196T>C (p.Ser66Pro)

Gene: SLC2A1 (solute carrier family 2 member 1; minus strand). Cytogenetic location: 1p34.2.
Variant type: single nucleotide variant.
Coding change: c.196T>C on transcript NM_006516.4 (MANE Select); coding-DNA position 196, T replaced by C.
Protein change: p.Ser66Pro; replaces serine 66 with proline.
Molecular consequence: missense variant.
Genome position (GRCh38, 1-based): chr1:42,931,125, A>G on the plus strand (T>C on the coding strand, the complement: SLC2A1 is on the minus strand). VCF-style: chr1-42931125-A-G. GRCh37 (hg19) VCF-style: chr1-43396796-A-G.
Other names: short protein forms S66P.
Identifiers: ClinVar variation 4081841 (VCV004081841.1).

ClinVar aggregate classification (germline): Likely pathogenic (1 of 4 stars; one submission).

Conditions:
Childhood onset GLUT1 deficiency syndrome 2. Also called: GLUT1 deficiency syndrome 2; PxMD-SLC2A1; Exertion-induced paroxysmal dyskinesia; Paroxysmal exercise-induced dystonia; PAROXYSMAL EXERCISE-INDUCED DYSKINESIA WITH OR WITHOUT EPILEPSY AND/OR HEMOLYTIC ANEMIA; PAROXYSMAL EXERTION-INDUCED DYSTONIA WITH OR WITHOUT EPILEPSY AND/OR HEMOLYTIC ANEMIA. Identifiers: Orphanet 98811, MedGen C1842534, MONDO:0012805, OMIM 612126.

Submission:

Institute of Medical Genetics and Applied Genomics, University Hospital Tübingen
Classification: Likely pathogenic for Childhood onset GLUT1 deficiency syndrome 2. Last evaluated: 2025-08-22. Review status: criteria provided, single submitter. Criteria: ACMG Guidelines, 2015. Collection method: clinical testing. Allele origin: germline. Inheritance: Autosomal dominant inheritance. Affected: yes.